The following is an entry in ClinVar:

NM_005431.2(XRCC2):c.746G>C (p.Ser249Thr)

Gene: XRCC2 (X-ray repair cross complementing 2; minus strand). Cytogenetic location: 7q36.1.
Variant type: single nucleotide variant.
Coding change: c.746G>C on transcript NM_005431.2 (MANE Select); coding-DNA position 746, G replaced by C.
Protein change: p.Ser249Thr; replaces serine 249 with threonine.
Molecular consequence: missense variant.
Genome position (GRCh38, 1-based): chr7:152,648,739, C>G on the plus strand (G>C on the coding strand, the complement: XRCC2 is on the minus strand). VCF-style: chr7-152648739-C-G. GRCh37 (hg19) VCF-style: chr7-152345824-C-G.
Other names: short protein forms S249T.
Identifiers: ClinVar variation 1692900 (VCV001692900.2), dbSNP rs781507499, ClinGen allele CA4582301.

ClinVar aggregate classification (germline): Uncertain significance. Review status: criteria provided, multiple submitters, no conflicts (2 of 4 stars). 2 submissions from 2 submitters: Uncertain significance (2). Last evaluated 2026-06-17.

Conditions:
Hereditary cancer-predisposing syndrome. Also called: Tumor predisposition; Hereditary neoplastic syndrome; Neoplastic Syndromes, Hereditary; Hereditary Cancer Syndrome. Identifiers: Orphanet 140162, MedGen C0027672, MeSH D009386, MONDO:0015356.

Allele frequency attached by ClinVar (database versions not stated): gnomAD exomes below 0.00001 and 0.00001; ExAC 0.00001.
gnomAD v4.1: 2 of 1,614,128 alleles (0.00012%); highest among the groups gnomAD compares: South Asian, 0.0022%; no homozygotes.

Submissions (2):

Ambry Genetics
Classification: Uncertain significance for Hereditary cancer-predisposing syndrome. Last evaluated: 2026-06-17. Review status: criteria provided, single submitter. Criteria: Ambry Variant Classification Scheme 2023. Collection method: clinical testing. Allele origin: germline.
Comment: The p.S249T variant (also known as c.746G>C), located in coding exon 3 of the XRCC2 gene, results from a G to C substitution at nucleotide position 746. The serine at codon 249 is replaced by threonine, an amino acid with similar properties. This amino acid position is conserved. In addition, this alteration is predicted to be tolerated by in silico analysis. Based on the available evidence, the clinical significance of this variant remains unclear.

Sema4
Classification: Uncertain significance for Hereditary cancer-predisposing syndrome. Last evaluated: 2022-01-24. Review status: criteria provided, single submitter. Criteria: Sema4 Curation Guidelines. Collection method: curation. Allele origin: germline.
Comment: The XRCC2 c.746G>C (p.S249T) variant has not been reported in the literature to our knowledge. It was observed in 2/30592 chromosomes in the South Asian subpopulation according to the Genome Aggregation Database (PMID: 32461654). This variant has not been reported in ClinVar. In silico tools suggest the impact of the variant on protein function is benign, though these predictions have not been confirmed by functional studies. The evidence is insufficient to meet ACMG/AMP criteria for classifying the variant as benign or pathogenic. Thus, the clinical significance of this variant is currently uncertain.